The following is an entry in ClinVar:

NM_001009944.3(PKD1):c.1967T>A (p.Leu656Gln)

Gene: PKD1 (polycystin 1, transient receptor potential channel interacting; minus strand). Cytogenetic location: 16p13.3.
Variant type: single nucleotide variant.
Coding change: c.1967T>A on transcript NM_001009944.3 (MANE Select); coding-DNA position 1967, T replaced by A.
Protein change: p.Leu656Gln; replaces leucine 656 with glutamine.
Molecular consequence: missense variant.
Genome position (GRCh38, 1-based): chr16:2,115,508, A>T on the plus strand (T>A on the coding strand, the complement: PKD1 is on the minus strand). VCF-style: chr16-2115508-A-T. GRCh37 (hg19) VCF-style: chr16-2165509-A-T.
Other names: c.1967T>A, p.Leu656Gln (NM_000296.4); c.1967T>A (NM_001009944.2); short protein forms L656Q.
Identifiers: ClinVar variation 805154 (VCV000805154.5), dbSNP rs759950842, ClinGen allele CA7833334.
Genomic context (GRCh38, chr16:2,115,508, plus strand): 5'-GGTAGCCCTGGCCCTGACGTGCAGCCATTGGCGCAGGCCTGGGGGTGGCAGGAGGCGTCC[A>T]GCGGCAAGCAGATGTTGGCTCCAGGGCACCAGCGTCCCCCTGGCATGCACGCGGGGGCCA-3'
Protein context (NP_001009944.3, residues 646-666): WCPGANICLP[Leu656Gln]DASCHPQACA

ClinVar aggregate classification (germline): Uncertain significance. Review status: criteria provided, multiple submitters, no conflicts (2 of 4 stars). 4 submissions from 4 submitters: Uncertain significance (4). Last evaluated 2025-09-06.

Conditions:
PKD1-related disorder. Also called: PKD1-related condition.
Polycystic kidney disease, adult type (PKD1). Also called: Polycystic Kidney Disease 1, Autosomal Dominant; Polycystic kidney disease 1; Polycystic kidney disease 1, severe; POLYCYSTIC KIDNEY DISEASE, ADULT, TYPE I; Polycystic Kidney, Autosomal Dominant; POLYCYSTIC KIDNEY DISEASE 1 WITH OR WITHOUT POLYCYSTIC LIVER DISEASE. Identifiers: MedGen C3149841, MONDO:0008263, OMIM 173900.

Allele frequency attached by ClinVar (database versions not stated): TOPMed 0.00011; gnomAD exomes 0.00012 and 0.00034; gnomAD 0.00015 and 0.00016; ExAC 0.00019.
gnomAD v4.1: 494 of 1,599,394 alleles (0.031%); highest among the groups gnomAD compares: Non-Finnish European, 0.041%; no homozygotes.

Submissions (4):

PreventionGenetics, part of Exact Sciences
Classification: Uncertain significance for PKD1-related condition. Last evaluated: 2025-09-06. Review status: criteria provided, single submitter. Criteria: ACMG Guidelines, 2015. Collection method: clinical testing. Allele origin: germline.
Comment: The PKD1 c.1967T>A variant is predicted to result in the amino acid substitution p.Leu656Gln. This variant was reported in an individual with very early onset polycystic kidney disease, but this variant was inherited from an unaffected mother (Table 1, Durkie et al 2021. PubMed ID: 33168999). Alternative variant at the same codon p.Leu656Val was reported in an individual with epilepsy, together with a second PKD1 variant in compound heterozygous state (Table 1, Wang et al 2022. PubMed ID: 35620448). This variant is reported in 0.031% of alleles in individuals of European (Non-Finnish) descent in gnomAD. Although we suspect that the c.1967T>A (p.Leu656Gln) variant may be benign, at this time, the clinical significance of this variant is uncertain due to the absence of conclusive functional and genetic evidence.

GeneDx
Classification: Uncertain significance. Last evaluated: 2024-08-09. Review status: criteria provided, single submitter. Criteria: GeneDx Variant Classification Process June 2021. Collection method: clinical testing. Allele origin: germline. Affected: yes.
Comment: Reported in a patient with early onset polycystic kidney disease in published literature; the variant was inherited from a parent for whom clinical information was not available (PMID: 33168999); In silico analysis supports that this missense variant has a deleterious effect on protein structure/function; This variant is associated with the following publications: (PMID: 33168999)

Fulgent Genetics
Classification: Uncertain significance for Polycystic kidney disease, adult type. Last evaluated: 2022-02-11. Review status: criteria provided, single submitter. Criteria: ACMG Guidelines, 2015. Collection method: clinical testing. Allele origin: unknown.

Athena Diagnostics
Classification: Uncertain significance. Last evaluated: 2019-03-18. Review status: criteria provided, single submitter. Criteria: Athena Diagnostics Criteria. Collection method: clinical testing. Allele origin: germline.